The following is an entry in ClinVar:

NM_000219.6(KCNE1):c.330A>C (p.Glu110Asp)

Gene: KCNE1 (potassium voltage-gated channel subfamily E regulatory subunit 1; minus strand). Cytogenetic location: 21q22.12.
Variant type: single nucleotide variant.
Coding change: c.330A>C on transcript NM_000219.6 (MANE Select); coding-DNA position 330, A replaced by C.
Protein change: p.Glu110Asp; replaces glutamic acid 110 with aspartic acid.
Molecular consequence: missense variant.
Genome position (GRCh38, 1-based): chr21:34,449,305, T>G on the plus strand (A>C on the coding strand, the complement: KCNE1 is on the minus strand). VCF-style: chr21-34449305-T-G. GRCh37 (hg19) VCF-style: chr21-35821603-T-G.
Other names: c.330A>C, p.Glu110Asp (NM_001127668.4, NM_001127669.4, NM_001127670.4 and 4 more transcripts); short protein forms E110D.
Identifiers: ClinVar variation 3374656 (VCV003374656.2).
Genomic context (GRCh38, chr21:34,449,305, plus strand): 5'-TCATGGGGAAGGCTTCGTCTCAGGAAGGTGTGTGTTGGGTTGTTCTATGGCCAGATGGTT[T>G]TCAACGACATAGCACGACCTGTAGCTCTCCAGGACCCGGGCCTGGACATAGGCCTTGTCC-3'
Protein context (NP_000210.2, residues 100-120): LESYRSCYVV[Glu110Asp]NHLAIEQPNT

Conditions:
Long QT syndrome 5 (LQT5). Identifiers: Orphanet 101016, Orphanet 768, MedGen C1867904, MONDO:0013372, OMIM 613695.

Submission:

Roden Lab, Vanderbilt University Medical Center
No classification provided (evidence only). Condition: Long QT syndrome 5. Review status: no classification provided. Collection method: in vitro. Allele origin: not applicable. Functional consequence: Effect on ion channel function.
ClinVar note: "not provided" was previously submitted as the classification for the variant. However, the classification appeared to be based only on an observation of functional data so it was converted to no classification on 2025-07-30.